The following is an entry in ClinVar:

NM_004958.4(MTOR):c.3720C>T (p.Gly1240=)

Gene: MTOR (mechanistic target of rapamycin kinase; minus strand). Cytogenetic location: 1p36.22.
Variant type: single nucleotide variant.
Coding change: c.3720C>T on transcript NM_004958.4 (MANE Select); coding-DNA position 3720, C replaced by T.
Protein change: p.Gly1240=; no amino-acid change (glycine 1240 retained).
Molecular consequence: synonymous variant.
Genome position (GRCh38, 1-based): chr1:11,209,393, G>A on the plus strand (C>T on the coding strand, the complement: MTOR is on the minus strand). VCF-style: chr1-11209393-G-A. GRCh37 (hg19) VCF-style: chr1-11269450-G-A.
Other names: c.3720C>T, p.Gly1240= (NM_001386500.1); c.2472C>T, p.Gly824= (NM_001386501.1).
Identifiers: ClinVar variation 4984697 (VCV004984697.1).

ClinVar aggregate classification (germline): Likely benign (1 of 4 stars; one submission).

Conditions:
MTOR-related disorder. Also called: MTOR-related condition.

gnomAD v4.1: 1 of 1,613,980 alleles (0.000062%); highest among the groups gnomAD compares: African/African-American, 0.0013%; no homozygotes.

Submission:

PreventionGenetics, part of Exact Sciences
Classification: Likely benign for MTOR-related condition. Last evaluated: 2025-01-31. Review status: criteria provided, single submitter. Criteria: ACMG Guidelines, 2015. Collection method: clinical testing. Allele origin: germline.
Comment: This variant is classified as likely benign based on ACMG/AMP sequence variant interpretation guidelines (Richards et al. 2015 PMID: 25741868, with internal and published modifications).